The following is an entry in ClinVar:

NM_004855.5(PIGB):c.625C>A (p.Pro209Thr)

Gene: PIGB (phosphatidylinositol glycan anchor biosynthesis class B; plus strand). Cytogenetic location: 15q21.3.
Variant type: single nucleotide variant.
Coding change: c.625C>A on transcript NM_004855.5 (MANE Select); coding-DNA position 625, C replaced by A.
Protein change: p.Pro209Thr; replaces proline 209 with threonine.
Molecular consequence: missense variant.
Genome position (GRCh38, 1-based): chr15:55,329,826, C>A. VCF-style: chr15-55329826-C-A. GRCh37 (hg19) VCF-style: chr15-55622024-C-A.
Other names: short protein forms P209T.
Identifiers: ClinVar variation 2017436 (VCV002017436.4), dbSNP rs2543089701, ClinGen allele CA392542235.

ClinVar aggregate classification (germline): Uncertain significance (1 of 4 stars; one submission).

Submission:

Labcorp Genetics (formerly Invitae), Labcorp
Classification: Uncertain significance. Last evaluated: 2022-07-15. Review status: criteria provided, single submitter. Criteria: Invitae Variant Classification Sherloc (09022015). Collection method: clinical testing. Allele origin: germline.
Comment: This variant is not present in population databases (gnomAD no frequency). This sequence change replaces proline, which is neutral and non-polar, with threonine, which is neutral and polar, at codon 209 of the PIGB protein (p.Pro209Thr). This variant has not been reported in the literature in individuals affected with PIGB-related conditions. In summary, the available evidence is currently insufficient to determine the role of this variant in disease. Therefore, it has been classified as a Variant of Uncertain Significance. Algorithms developed to predict the effect of missense changes on protein structure and function are either unavailable or do not agree on the potential impact of this missense change (SIFT: "Deleterious"; PolyPhen-2: "Probably Damaging"; Align-GVGD: "Class C0").